The following is an entry in ClinVar:

ClinVar aggregate classification (germline): Uncertain significance. Review status: criteria provided, multiple submitters, no conflicts (2 of 4 stars). 2 submissions from 2 submitters: Uncertain significance (2). Last evaluated 2022-06-01.

Submissions (2):

Labcorp Genetics (formerly Invitae), Labcorp
Classification: Uncertain significance. Last evaluated: 2022-06-01. Review status: criteria provided, single submitter. Criteria: Invitae Variant Classification Sherloc (09022015). Collection method: clinical testing. Allele origin: germline.
Comment: This sequence change creates a premature translational stop signal (p.Cys325Profs*129) in the SAMD11 gene. It is expected to result in an absent or disrupted protein product. However, the current clinical and genetic evidence is not sufficient to establish whether loss-of-function variants in SAMD11 cause disease. This variant is not present in population databases (gnomAD no frequency). This variant has not been reported in the literature in individuals affected with SAMD11-related conditions. In summary, the available evidence is currently insufficient to determine the role of this variant in disease. Therefore, it has been classified as a Variant of Uncertain Significance.

Blueprint Genetics
Classification: Uncertain significance. Last evaluated: 2018-11-01. Review status: criteria provided, single submitter. Criteria: ACMG Guidelines, 2015. Collection method: clinical testing. Allele origin: germline.

NM_001385641.1(SAMD11):c.1462_1463del (p.Cys488fs)

Gene: SAMD11 (sterile alpha motif domain containing 11; plus strand). Cytogenetic location: 1p36.33.
Variant type: Microsatellite.
Coding change: c.1462_1463del on transcript NM_001385641.1 (MANE Select); coding-DNA positions 1462 to 1463, 2 bases deleted (TG; older notation c.1462_1463delTG).
Protein change: p.Cys488fs; shifts the reading frame from cysteine 488.
Molecular consequence: frameshift variant.
Genome position (GRCh38, 1-based): chr1:942,239-942,240, TG deleted; deleting any 2 consecutive bases within chr1:942,237-942,240 gives the same sequence; the c. name uses the placement nearest the transcript's 3' end. VCF-style (leftmost placement, unchanged base first): chr1-942236-CTG-C. GRCh37 (hg19) VCF-style: chr1-877616-CTG-C.
Other names: c.1465_1466del, p.Cys489fs (NM_001385640.1); c.973_974del, p.Cys325fs (NM_152486.4); short protein forms C325fs, C488fs, C489fs.
Identifiers: ClinVar variation 1949873 (VCV001949873.6), dbSNP rs1262468865, ClinGen allele CA520630587.